The following is an entry in ClinVar:

NM_001457.4(FLNB):c.5933T>C (p.Ile1978Thr)

Gene: FLNB (filamin B; plus strand). Cytogenetic location: 3p14.3.
Variant type: single nucleotide variant.
Coding change: c.5933T>C on transcript NM_001457.4 (MANE Select); coding-DNA position 5933, T replaced by C.
Protein change: p.Ile1978Thr; replaces isoleucine 1978 with threonine.
Molecular consequence: missense variant.
Genome position (GRCh38, 1-based): chr3:58,148,694, T>C. VCF-style: chr3-58148694-T-C. GRCh37 (hg19) VCF-style: chr3-58134421-T-C.
Other names: c.6026T>C, p.Ile2009Thr (NM_001164317.2); c.5900T>C, p.Ile1967Thr (NM_001164318.2); c.5861T>C, p.Ile1954Thr (NM_001164319.2); short protein forms I1978T, I1954T, I1967T, I2009T.
Identifiers: ClinVar variation 3635745 (VCV003635745.2).

ClinVar aggregate classification (germline): Uncertain significance (1 of 4 stars; one submission).

Submission:

Labcorp Genetics (formerly Invitae), Labcorp
Classification: Uncertain significance. Last evaluated: 2024-11-19. Review status: criteria provided, single submitter. Criteria: Invitae Variant Classification Sherloc (09022015). Collection method: clinical testing. Allele origin: germline.
Comment: This sequence change replaces isoleucine, which is neutral and non-polar, with threonine, which is neutral and polar, at codon 1978 of the FLNB protein (p.Ile1978Thr). This variant is not present in population databases (gnomAD no frequency). This variant has not been reported in the literature in individuals affected with FLNB-related conditions. Invitae Evidence Modeling of protein sequence and biophysical properties (such as structural, functional, and spatial information, amino acid conservation, physicochemical variation, residue mobility, and thermodynamic stability) indicates that this missense variant is not expected to disrupt FLNB protein function with a negative predictive value of 80%. In summary, the available evidence is currently insufficient to determine the role of this variant in disease. Therefore, it has been classified as a Variant of Uncertain Significance.